The following is an entry in ClinVar:

NM_000081.4(LYST):c.3119C>G (p.Ser1040Cys)

Gene: LYST (lysosomal trafficking regulator; minus strand). Cytogenetic location: 1q42.3.
Variant type: single nucleotide variant.
Coding change: c.3119C>G on transcript NM_000081.4 (MANE Select); coding-DNA position 3119, C replaced by G.
Protein change: p.Ser1040Cys; replaces serine 1040 with cysteine.
Molecular consequence: missense variant.
Genome position (GRCh38, 1-based): chr1:235,806,017, G>C on the plus strand (C>G on the coding strand, the complement: LYST is on the minus strand). VCF-style: chr1-235806017-G-C. GRCh37 (hg19) VCF-style: chr1-235969317-G-C.
Other names: c.3119C>G (NM_000081.2); c.3119C>G, p.Ser1040Cys (NM_001301365.1); short protein forms S1040C.
Identifiers: ClinVar variation 956750 (VCV000956750.10), dbSNP rs541176869, ClinGen allele CA1467139.

ClinVar aggregate classification (germline): Uncertain significance. Review status: criteria provided, multiple submitters, no conflicts (2 of 4 stars). 3 submissions from 3 submitters: Uncertain significance (3). Last evaluated 2025-09-01.

Conditions:
Inborn genetic diseases. Identifiers: MedGen C0950123, MeSH D030342.
Chédiak-Higashi syndrome (CHS). Also called: Chediak-Higashi Syndrome. Identifiers: Orphanet 167, MedGen C0007965, MONDO:0008963, OMIM 214500.

Allele frequency attached by ClinVar (database versions not stated): gnomAD 0.00001; TOPMed 0.00001; gnomAD exomes 0.00004; ExAC 0.00007; 1000 Genomes Project 0.00020; 1000 Genomes Project 30x 0.00031.
gnomAD v4.1: 61 of 1,613,938 alleles (0.0038%); highest among the groups gnomAD compares: South Asian, 0.059%; no homozygotes.

Submissions (3):

Ambry Genetics
Classification: Uncertain significance for Inborn genetic diseases. Last evaluated: 2025-09-01. Review status: criteria provided, single submitter. Criteria: Ambry Variant Classification Scheme 2023. Collection method: clinical testing. Allele origin: germline.

Labcorp Genetics (formerly Invitae), Labcorp
Classification: Uncertain significance for Chédiak-Higashi syndrome. Last evaluated: 2024-12-16. Review status: criteria provided, single submitter. Criteria: Invitae Variant Classification Sherloc (09022015). Collection method: clinical testing. Allele origin: germline.
Comment: This sequence change replaces serine, which is neutral and polar, with cysteine, which is neutral and slightly polar, at codon 1040 of the LYST protein (p.Ser1040Cys). This variant is present in population databases (rs541176869, gnomAD 0.06%). This variant has not been reported in the literature in individuals affected with LYST-related conditions. ClinVar contains an entry for this variant (Variation ID: 956750). An algorithm developed to predict the effect of missense changes on protein structure and function outputs the following: PolyPhen-2: "Possibly Damaging". The cysteine amino acid residue is found in multiple mammalian species, which suggests that this missense change does not adversely affect protein function. In summary, the available evidence is currently insufficient to determine the role of this variant in disease. Therefore, it has been classified as a Variant of Uncertain Significance.

Blueprint Genetics
Classification: Uncertain significance. Last evaluated: 2022-11-08. Review status: criteria provided, single submitter. Criteria: ACMG Guidelines, 2015. Collection method: clinical testing. Allele origin: germline.